The following is an entry in ClinVar:

ClinVar aggregate classification (germline): Uncertain significance (1 of 4 stars; one submission).

Conditions:
Charcot-Marie-Tooth disease type 4. Also called: Charcot-Marie-Tooth, Type 4; Charcot-Marie-Tooth disease, type IV. Identifiers: Orphanet 64749, MedGen C4082197, MONDO:0018995.

gnomAD v4.1: 1 of 1,613,140 alleles (0.000062%); highest among the groups gnomAD compares: Non-Finnish European, 0.000085%; no homozygotes.

Submission:

Labcorp Genetics (formerly Invitae), Labcorp
Classification: Uncertain significance for Charcot-Marie-Tooth disease type 4. Last evaluated: 2021-01-05. Review status: criteria provided, single submitter. Criteria: Invitae Variant Classification Sherloc (09022015). Collection method: clinical testing. Allele origin: germline.
Comment: In summary, the available evidence is currently insufficient to determine the role of this variant in disease. Therefore, it has been classified as a Variant of Uncertain Significance. Advanced modeling of protein sequence and biophysical properties (such as structural, functional, and spatial information, amino acid conservation, physicochemical variation, residue mobility, and thermodynamic stability) performed at Invitae indicates that this missense variant is not expected to disrupt MTMR2 protein function. This variant has not been reported in the literature in individuals with MTMR2-related conditions. This variant is not present in population databases (ExAC no frequency). This sequence change replaces glutamic acid with lysine at codon 627 of the MTMR2 protein (p.Glu627Lys). The glutamic acid residue is moderately conserved and there is a small physicochemical difference between glutamic acid and lysine.

NM_016156.6(MTMR2):c.1879G>A (p.Glu627Lys)

Gene: MTMR2 (myotubularin related protein 2; minus strand). Cytogenetic location: 11q21.
Variant type: single nucleotide variant.
Coding change: c.1879G>A on transcript NM_016156.6 (MANE Select); coding-DNA position 1879, G replaced by A.
Protein change: p.Glu627Lys; replaces glutamic acid 627 with lysine.
Molecular consequence: missense variant.
Genome position (GRCh38, 1-based): chr11:95,835,343, C>T on the plus strand (G>A on the coding strand, the complement: MTMR2 is on the minus strand). VCF-style: chr11-95835343-C-T. GRCh37 (hg19) VCF-style: chr11-95568507-C-T.
Other names: c.1663G>A, p.Glu555Lys (NM_001243571.2, NM_201278.3, NM_201281.3); short protein forms E555K, E627K.
Identifiers: ClinVar variation 1485515 (VCV001485515.8), dbSNP rs1863216623, ClinGen allele CA382412527.